The following is an entry in ClinVar:

ClinVar aggregate classification (germline): Uncertain significance (1 of 4 stars; one submission).

Conditions:
Chédiak-Higashi syndrome (CHS). Also called: Chediak-Higashi Syndrome. Identifiers: Orphanet 167, MedGen C0007965, MONDO:0008963, OMIM 214500.

Allele frequency attached by ClinVar (database versions not stated): gnomAD exomes below 0.00001; ExAC 0.00002; TOPMed 0.00003; gnomAD 0.00004.
gnomAD v4.1: 12 of 1,612,164 alleles (0.00074%); highest among the groups gnomAD compares: African/African-American, 0.013%; no homozygotes.

Submission:

Labcorp Genetics (formerly Invitae), Labcorp
Classification: Uncertain significance for Chédiak-Higashi syndrome. Last evaluated: 2025-11-10. Review status: criteria provided, single submitter. Criteria: Invitae Variant Classification Sherloc (09022015). Collection method: clinical testing. Allele origin: germline.
Comment: This sequence change replaces threonine, which is neutral and polar, with lysine, which is basic and polar, at codon 3616 of the LYST protein (p.Thr3616Lys). This variant is present in population databases (rs764991912, gnomAD 0.02%). This missense change has been observed in individual(s) with familial hemophagocytic lymphohistiocytosis (PMID: 32638196). ClinVar contains an entry for this variant (Variation ID: 945059). Invitae Evidence Modeling of protein sequence and biophysical properties (such as structural, functional, and spatial information, amino acid conservation, physicochemical variation, residue mobility, and thermodynamic stability) indicates that this missense variant is not expected to disrupt LYST protein function with a negative predictive value of 80%. In summary, the available evidence is currently insufficient to determine the role of this variant in disease. Therefore, it has been classified as a Variant of Uncertain Significance.

Literature cited by the submitters: PubMed 32638196.

NM_000081.4(LYST):c.10847C>A (p.Thr3616Lys)

Gene: LYST (lysosomal trafficking regulator; minus strand). Cytogenetic location: 1q42.3.
Variant type: single nucleotide variant.
Coding change: c.10847C>A on transcript NM_000081.4 (MANE Select); coding-DNA position 10847, C replaced by A.
Protein change: p.Thr3616Lys; replaces threonine 3616 with lysine.
Molecular consequence: missense variant.
Genome position (GRCh38, 1-based): chr1:235,677,573, G>T on the plus strand (C>A on the coding strand, the complement: LYST is on the minus strand). VCF-style: chr1-235677573-G-T. GRCh37 (hg19) VCF-style: chr1-235840873-G-T.
Other names: c.10847C>A, p.Thr3616Lys (NM_001301365.1); short protein forms T3616K.
Identifiers: ClinVar variation 945059 (VCV000945059.6), dbSNP rs764991912, ClinGen allele CA1465274.
Genomic context (GRCh38, chr1:235,677,573, plus strand): 5'-CTGCTCACACTTATCAGTATACTGTATGGTTTGCAAACAAATAAGCTGGTTATCTCTTCT[G>T]TGTGACCATAGAGATGTATTTGAGTCTCCATTTCTATTTCTGATGGCTGAAATTTTAAAA-3'
Protein context (NP_000072.2, residues 3606-3626): METQIHLYGH[Thr3616Lys]EEITSLFVCK